The following is an entry in ClinVar:

ClinVar aggregate classification (germline): Uncertain significance. Review status: criteria provided, multiple submitters, no conflicts (2 of 4 stars). 2 submissions from 2 submitters: Uncertain significance (2). Last evaluated 2025-11-08.

Allele frequency attached by ClinVar (database versions not stated): gnomAD exomes below 0.00001.
gnomAD v4.1: 3 of 1,210,460 alleles (0.00025%); highest among the groups gnomAD compares: Admixed American, 0.0022%; no homozygotes.

Submissions (2):

Labcorp Genetics (formerly Invitae), Labcorp
Classification: Uncertain significance. Last evaluated: 2025-11-08. Review status: criteria provided, single submitter. Criteria: Invitae Variant Classification Sherloc (09022015). Collection method: clinical testing. Allele origin: germline.
Comment: This sequence change replaces isoleucine, which is neutral and non-polar, with valine, which is neutral and non-polar, at codon 37 of the MSN protein (p.Ile37Val). This variant is not present in population databases (gnomAD no frequency). This variant has not been reported in the literature in individuals affected with MSN-related conditions. ClinVar contains an entry for this variant (Variation ID: 1721102). An algorithm developed to predict the effect of missense changes on protein structure and function (PolyPhen-2) suggests that this variant is likely to be tolerated. In summary, the available evidence is currently insufficient to determine the role of this variant in disease. Therefore, it has been classified as a Variant of Uncertain Significance.

Blueprint Genetics
Classification: Uncertain significance. Last evaluated: 2021-05-11. Review status: criteria provided, single submitter. Criteria: ACMG Guidelines, 2015. Collection method: clinical testing. Allele origin: germline.

NM_002444.3(MSN):c.109A>G (p.Ile37Val)

Gene: MSN (moesin; plus strand). Cytogenetic location: Xq12.
Variant type: single nucleotide variant.
Coding change: c.109A>G on transcript NM_002444.3 (MANE Select); coding-DNA position 109, A replaced by G.
Protein change: p.Ile37Val; replaces isoleucine 37 with valine.
Molecular consequence: missense variant.
Genome position (GRCh38, 1-based): chrX:65,727,826, A>G. VCF-style: chrX-65727826-A-G. GRCh37 (hg19) VCF-style: chrX-64947688-A-G.
Other names: short protein forms I37V.
Identifiers: ClinVar variation 1721102 (VCV001721102.6), dbSNP rs2522997933, ClinGen allele CA413414994.